The following is an entry in ClinVar:

NM_000391.4(TPP1):c.473A>C (p.Gln158Pro)

Gene: TPP1 (tripeptidyl peptidase 1; minus strand). Cytogenetic location: 11p15.4.
Variant type: single nucleotide variant.
Coding change: c.473A>C on transcript NM_000391.4 (MANE Select); coding-DNA position 473, A replaced by C.
Protein change: p.Gln158Pro; replaces glutamine 158 with proline.
Molecular consequence: missense variant.
Genome position (GRCh38, 1-based): chr11:6,617,336, T>G on the plus strand (A>C on the coding strand, the complement: TPP1 is on the minus strand). VCF-style: chr11-6617336-T-G. GRCh37 (hg19) VCF-style: chr11-6638567-T-G.
Other names: p.Q158P:CAG>CCG; short protein forms Q158P.
Identifiers: ClinVar variation 207572 (VCV000207572.9), dbSNP rs757507462, ClinGen allele CA319171.

ClinVar aggregate classification (germline): Uncertain significance. Review status: criteria provided, multiple submitters, no conflicts (2 of 4 stars). 4 submissions from 4 submitters: Uncertain significance (3). 1 of the submissions does not count toward it. Last evaluated 2022-07-19.

Conditions:
Neuronal ceroid lipofuscinosis 2. Also called: JANSKY-BIELSCHOWSKY DISEASE NEURONAL CEROID LIPOFUSCINOSIS, LATE INFANTILE; TPP1-Related Neuronal Ceroid-Lipofuscinosis. Identifiers: Orphanet 168491, Orphanet 228349, Orphanet 79264, MedGen C1876161, MONDO:0008769, OMIM 204500.

Allele frequency attached by ClinVar (database versions not stated): ExAC 0.00001; gnomAD 0.00001; TOPMed 0.00001.
gnomAD v4.1: 18 of 1,613,976 alleles (0.0011%); highest among the groups gnomAD compares: African/African-American, 0.0027%; no homozygotes.

Submissions (4):

Labcorp Genetics (formerly Invitae), Labcorp
Classification: Uncertain significance. Last evaluated: 2022-07-19. Review status: criteria provided, single submitter. Criteria: Invitae Variant Classification Sherloc (09022015). Collection method: clinical testing. Allele origin: germline.
Comment: This sequence change replaces glutamine, which is neutral and polar, with proline, which is neutral and non-polar, at codon 158 of the TPP1 protein (p.Gln158Pro). This variant is present in population databases (rs757507462, gnomAD 0.007%). This variant has not been reported in the literature in individuals affected with TPP1-related conditions. ClinVar contains an entry for this variant (Variation ID: 207572). Advanced modeling of protein sequence and biophysical properties (such as structural, functional, and spatial information, amino acid conservation, physicochemical variation, residue mobility, and thermodynamic stability) performed at Invitae indicates that this missense variant is not expected to disrupt TPP1 protein function. In summary, the available evidence is currently insufficient to determine the role of this variant in disease. Therefore, it has been classified as a Variant of Uncertain Significance.

Illumina Laboratory Services, Illumina
Classification: Uncertain significance for Neuronal ceroid lipofuscinosis 2. Last evaluated: 2017-04-27. Review status: criteria provided, single submitter. Criteria: ICSL Variant Classification Criteria 13 December 2019. Collection method: clinical testing. Allele origin: germline.

GeneDx
Classification: Uncertain significance. Last evaluated: 2014-04-24. Review status: criteria provided, single submitter. Criteria: GeneDx Variant Classification (06012015). Collection method: clinical testing. Allele origin: germline. Affected: yes.
Comment: p.Gln158Pro (CAG>CCG): c.473 A>C in exon 5 of the TPP1 gene (NM_000391.3) The Q158P variant has not been published as a mutation, nor has it been reported as a benign polymorphism to our knowledge. It was not observed in approximately 6,500 individuals of European and African American ancestry in the NHLBI Exome Sequencing Project, indicating it is not a common benign variant in these populations. The Q158P variant is a non-conservative amino acid substitution, which is likely to impact secondary protein structure as these residues differ in polarity, charge, size and/or other properties. A missense mutation in a nearby residue (S153P) has been reported in association with neuronal ceroid lipofuscinosis (NCL) supporting the functional importance of this region of the protein. However, in silico analysis is inconsistent in its predictions as to whether or not the Q158P variant is damaging to the protein structure/function, and this substitution occurs at a position that is not conserved across species. Additionally, it is located within in a region that is not present in the mature form of the protein. Therefore, based on the currently available information, it is unclear whether the Q158P variant is a pathogenic mutation or a rare benign variant and is interpreted to be of uncertain significance. The variant is found in EPILEPSY panel(s).

Natera, Inc.
Classification: Uncertain significance for Neuronal ceroid lipofuscinosis 2. Last evaluated: 2020-03-17. Review status: no assertion criteria provided. Collection method: clinical testing. Allele origin: germline. Not counted in ClinVar's aggregate classification.